The following is an entry in ClinVar:

NM_004484.4(GPC3):c.1188G>C (p.Lys396Asn)

Gene: GPC3 (glypican 3; minus strand). Cytogenetic location: Xq26.2.
Variant type: single nucleotide variant.
Coding change: c.1188G>C on transcript NM_004484.4 (MANE Select); coding-DNA position 1188, G replaced by C.
Protein change: p.Lys396Asn; replaces lysine 396 with asparagine.
Molecular consequence: missense variant.
Genome position (GRCh38, 1-based): chrX:133,692,473, C>G on the plus strand (G>C on the coding strand, the complement: GPC3 is on the minus strand). VCF-style: chrX-133692473-C-G. GRCh37 (hg19) VCF-style: chrX-132826501-C-G.
Other names: c.1257G>C, p.Lys419Asn (NM_001164617.2); c.1140G>C, p.Lys380Asn (NM_001164618.2); c.1026G>C, p.Lys342Asn (NM_001164619.2); short protein forms K380N, K396N, K342N, K419N.
Identifiers: ClinVar variation 2887673 (VCV002887673.3), dbSNP rs2521132684, ClinGen allele CA414705748.

ClinVar aggregate classification (germline): Uncertain significance (1 of 4 stars; one submission).

Conditions:
Wilms tumor 1 (WT1). Also called: Wilms tumor, somatic. Identifiers: Orphanet 654, MedGen CN033288, MONDO:0008679, OMIM 194070.

gnomAD v4.1: 1 of 1,206,180 alleles (0.000083%); highest among the groups gnomAD compares: Non-Finnish European, 0.00011%; no homozygotes.

Submission:

Labcorp Genetics (formerly Invitae), Labcorp
Classification: Uncertain significance for Wilms tumor 1. Last evaluated: 2023-11-13. Review status: criteria provided, single submitter. Criteria: Invitae Variant Classification Sherloc (09022015). Collection method: clinical testing. Allele origin: germline.
Comment: This sequence change replaces lysine, which is basic and polar, with asparagine, which is neutral and polar, at codon 396 of the GPC3 protein (p.Lys396Asn). This variant is not present in population databases (gnomAD no frequency). This variant has not been reported in the literature in individuals affected with GPC3-related conditions. Advanced modeling of protein sequence and biophysical properties (such as structural, functional, and spatial information, amino acid conservation, physicochemical variation, residue mobility, and thermodynamic stability) performed at Invitae indicates that this missense variant is not expected to disrupt GPC3 protein function with a negative predictive value of 80%. In summary, the available evidence is currently insufficient to determine the role of this variant in disease. Therefore, it has been classified as a Variant of Uncertain Significance.